The following is an entry in ClinVar:

NM_005333.5(HCCS):c.195G>A (p.Glu65=)

Gene: HCCS (holocytochrome c synthase; plus strand). Cytogenetic location: Xp22.2.
Variant type: single nucleotide variant.
Coding change: c.195G>A on transcript NM_005333.5 (MANE Select); coding-DNA position 195, G replaced by A.
Protein change: p.Glu65=; no amino-acid change (glutamic acid 65 retained).
Molecular consequence: synonymous variant.
Genome position (GRCh38, 1-based): chrX:11,114,929, G>A. VCF-style: chrX-11114929-G-A. GRCh37 (hg19) VCF-style: chrX-11133049-G-A.
Other names: c.195G>A, p.Glu65= (NM_001122608.3, NM_001171991.3).
Identifiers: ClinVar variation 3054798 (VCV003054798.8), dbSNP rs2045437506, ClinGen allele CA515494567.

ClinVar aggregate classification (germline): Likely benign. Review status: criteria provided, single submitter (1 of 4 stars). 2 submissions from 2 submitters: Likely benign (1). 1 of the submissions does not count toward it. Last evaluated 2025-10-01.

Conditions:
HCCS-related disorder. Also called: HCCS-related condition.

Allele frequency attached by ClinVar (database versions not stated): gnomAD exomes below 0.00001.
gnomAD v4.1: 5 of 1,206,368 alleles (0.00041%); highest among the groups gnomAD compares: Middle Eastern, 0.023%; no homozygotes.

Submissions (2):

CeGaT Center for Human Genetics Tuebingen
Classification: Likely benign. Last evaluated: 2025-10-01. Review status: criteria provided, single submitter. Criteria: CeGaT Center For Human Genetics Tuebingen Variant Classification Criteria Version 2. Collection method: clinical testing. Allele origin: germline. Affected: yes. Observed: 1 variant allele.
Comment: HCCS: BP4, BP7

PreventionGenetics, part of Exact Sciences
Classification: Likely benign for HCCS-related condition. Last evaluated: 2020-04-20. Review status: no assertion criteria provided. Collection method: clinical testing. Allele origin: germline. Not counted in ClinVar's aggregate classification.
Comment: This variant is classified as likely benign based on ACMG/AMP sequence variant interpretation guidelines (Richards et al. 2015 PMID: 25741868, with internal and published modifications).